The following is an entry in ClinVar:

ClinVar aggregate classification (germline): Benign. Review status: criteria provided, multiple submitters, no conflicts (2 of 4 stars). 4 submissions from 4 submitters: Benign (3). 1 of the submissions does not count toward it. Last evaluated 2026-05-09.

Conditions:
AFF3-related disorder. Also called: AFF3-related condition.

Allele frequency attached by ClinVar (database versions not stated): 1000 Genomes Project 30x 0.03342; TOPMed 0.03350; gnomAD exomes 0.01279 and 0.01766; gnomAD 0.03125 and 0.03026; ExAC 0.01855; ESP Exome Variant Server 0.03306; 1000 Genomes Project 0.03315.
gnomAD v4.1: 23,623 of 1,611,978 alleles (1.5%); highest among the groups gnomAD compares: African/African-American, 8%; 419 homozygotes.

Submissions (4):

Women's Health and Genetics/Laboratory Corporation of America, LabCorp
Classification: Benign. Last evaluated: 2026-05-09. Review status: criteria provided, single submitter. Criteria: LabCorp Variant Classification Summary - May 2015. Collection method: clinical testing. Allele origin: germline.

GeneDx
Classification: Benign. Last evaluated: 2020-02-07. Review status: criteria provided, single submitter. Criteria: GeneDx Variant Classification Process June 2021. Collection method: clinical testing. Allele origin: germline. Affected: yes.

Breakthrough Genomics
Classification: Benign. Review status: criteria provided, single submitter. Criteria: ACMG Guidelines, 2015. Collection method: not provided. Allele origin: germline. Inheritance: Autosomal dominant inheritance. Affected: yes.

PreventionGenetics, part of Exact Sciences
Classification: Benign for AFF3-related condition. Last evaluated: 2019-09-06. Review status: no assertion criteria provided. Collection method: clinical testing. Allele origin: germline. Not counted in ClinVar's aggregate classification.
Comment: This variant is classified as benign based on ACMG/AMP sequence variant interpretation guidelines (Richards et al. 2015 PMID: 25741868, with internal and published modifications).

NM_001386135.1(AFF3):c.837C>T (p.Ala279=)

Gene: AFF3 (ALF transcription elongation factor 3; minus strand). Cytogenetic location: 2q11.2.
Variant type: single nucleotide variant.
Coding change: c.837C>T on transcript NM_001386135.1 (MANE Select); coding-DNA position 837, C replaced by T.
Protein change: p.Ala279=; no amino-acid change (alanine 279 retained).
Molecular consequence: synonymous variant.
Genome position (GRCh38, 1-based): chr2:100,006,668, G>A on the plus strand (C>T on the coding strand, the complement: AFF3 is on the minus strand). VCF-style: chr2-100006668-G-A. GRCh37 (hg19) VCF-style: chr2-100623130-G-A.
Other names: c.912C>T, p.Ala304= (NM_001025108.2); c.837C>T, p.Ala279= (NM_002285.3).
Identifiers: ClinVar variation 1270586 (VCV001270586.5), dbSNP rs34506074, ClinGen allele CA1801425.